The following is an entry in ClinVar:

ClinVar aggregate classification (germline): Uncertain significance. Review status: criteria provided, multiple submitters, no conflicts (2 of 4 stars). 3 submissions from 3 submitters: Uncertain significance (3). Last evaluated 2025-09-22.

Conditions:
Hereditary cancer-predisposing syndrome. Also called: Tumor predisposition; Neoplastic Syndromes, Hereditary; Hereditary Cancer Syndrome; Hereditary neoplastic syndrome. Identifiers: Orphanet 140162, MedGen C0027672, MeSH D009386, MONDO:0015356.
POLD1-related polyposis and colorectal cancer syndrome (CRCS10). Also called: Colorectal cancer 10; COLORECTAL CANCER, SUSCEPTIBILITY TO, ON CHROMOSOME 19q; Colorectal cancer, susceptibility to, 10. Identifiers: Orphanet 220460, MedGen C2675481, MONDO:0012953, OMIM 612591.

Allele frequency attached by ClinVar (database versions not stated): gnomAD exomes below 0.00001; ExAC 0.00001.
gnomAD v4.1: 1 of 1,614,018 alleles (0.000062%); highest among the groups gnomAD compares: Non-Finnish European, 0.000085%; no homozygotes.

Submissions (3):

Labcorp Genetics (formerly Invitae), Labcorp
Classification: Uncertain significance for POLD1-related polyposis and colorectal cancer syndrome. Last evaluated: 2025-09-22. Review status: criteria provided, single submitter. Criteria: Invitae Variant Classification Sherloc (09022015). Collection method: clinical testing. Allele origin: germline.
Comment: This sequence change replaces lysine, which is basic and polar, with asparagine, which is neutral and polar, at codon 439 of the POLD1 protein (p.Lys439Asn). This variant is present in population databases (rs758977084, gnomAD 0.0009%). This variant has not been reported in the literature in individuals affected with POLD1-related conditions. ClinVar contains an entry for this variant (Variation ID: 537066). Invitae Evidence Modeling of protein sequence and biophysical properties (such as structural, functional, and spatial information, amino acid conservation, physicochemical variation, residue mobility, and thermodynamic stability) indicates that this missense variant is not expected to disrupt POLD1 protein function with a negative predictive value of 80%. In summary, the available evidence is currently insufficient to determine the role of this variant in disease. Therefore, it has been classified as a Variant of Uncertain Significance.

Ambry Genetics
Classification: Uncertain significance for Hereditary cancer-predisposing syndrome. Last evaluated: 2025-06-22. Review status: criteria provided, single submitter. Criteria: Ambry Variant Classification Scheme 2023. Collection method: clinical testing. Allele origin: germline.
Comment: The p.K439N variant (also known as c.1317G>T), located in coding exon 10 of the POLD1 gene, results from a G to T substitution at nucleotide position 1317. The lysine at codon 439 is replaced by asparagine, an amino acid with similar properties. This amino acid position is not well conserved in available vertebrate species. In addition, this alteration is predicted to be tolerated by in silico analysis. Since supporting evidence is limited at this time, the clinical significance of this alteration remains unclear.

Baylor Genetics
Classification: Uncertain significance for POLD1-related polyposis and colorectal cancer syndrome. Last evaluated: 2023-12-21. Review status: criteria provided, single submitter. Criteria: ACMG Guidelines, 2015. Collection method: clinical testing. Allele origin: unknown.

NM_002691.4(POLD1):c.1317G>T (p.Lys439Asn)

Gene: POLD1 (DNA polymerase delta 1, catalytic subunit; plus strand). Cytogenetic location: 19q13.33.
Variant type: single nucleotide variant.
Coding change: c.1317G>T on transcript NM_002691.4 (MANE Select); coding-DNA position 1317, G replaced by T.
Protein change: p.Lys439Asn; replaces lysine 439 with asparagine.
Molecular consequence: missense variant. On other transcripts: non-coding transcript variant (1).
Genome position (GRCh38, 1-based): chr19:50,406,256, G>T. VCF-style: chr19-50406256-G-T. GRCh37 (hg19) VCF-style: chr19-50909513-G-T.
Other names: c.1317G>T, p.Lys439Asn (NM_001256849.1, NM_001308632.1); short protein forms K439N.
Identifiers: ClinVar variation 537066 (VCV000537066.14), dbSNP rs758977084, ClinGen allele CA9596104.